The following is an entry in ClinVar:

NC_000020.10:g.(?_62055510)_(62078210_?)del

Gene: KCNQ2 (potassium voltage-gated channel subfamily Q member 2; minus strand). Cytogenetic location: 20q13.33.
Variant type: Deletion.
Identifiers: ClinVar variation 1456281 (VCV001456281.5).

ClinVar aggregate classification (germline): Pathogenic (1 of 4 stars; one submission).

Conditions:
Developmental and epileptic encephalopathy. Identifiers: MedGen C5779964, MONDO:0100620.

Submission:

Labcorp Genetics (formerly Invitae), Labcorp
Classification: Pathogenic for Early-infantile DEE. Last evaluated: 2021-09-04. Review status: criteria provided, single submitter. Criteria: Invitae Variant Classification Sherloc (09022015). Collection method: clinical testing. Allele origin: germline.
Comment: For these reasons, this variant has been classified as Pathogenic. This variant disrupts a region of the KCNQ2 protein in which other variant(s) (p.Pro335Leu) have been determined to be pathogenic (PMID: 25533962, 28867141; Invitae). This suggests that this is a clinically significant region of the protein, and that variants that disrupt it are likely to be disease-causing. This variant has not been reported in the literature in individuals affected with KCNQ2-related conditions. This variant is a gross deletion of the genomic region encompassing exon(s) 2-11 of the KCNQ2 gene. This variant would be expected to be in-frame, preserving the integrity of the reading frame.

Literature cited by the submitters: PubMed 25533962; PubMed 28867141.